The following is an entry in ClinVar:

NM_001165963.4(SCN1A):c.2944G>A (p.Val982Met)

Gene: SCN1A (sodium voltage-gated channel alpha subunit 1; minus strand). Cytogenetic location: 2q24.3.
Variant type: single nucleotide variant.
Coding change: c.2944G>A on transcript NM_001165963.4 (MANE Select); coding-DNA position 2944, G replaced by A.
Protein change: p.Val982Met; replaces valine 982 with methionine.
Molecular consequence: missense variant. On other transcripts: non-coding transcript variant (1).
Genome position (GRCh38, 1-based): chr2:166,037,778, C>T on the plus strand (G>A on the coding strand, the complement: SCN1A is on the minus strand). VCF-style: chr2-166037778-C-T. GRCh37 (hg19) VCF-style: chr2-166894288-C-T.
Other names: c.2860G>A, p.Val954Met (NM_001165964.3, NM_001353957.2, NM_001353958.2); c.2944G>A, p.Val982Met (NM_001202435.3, NM_001353948.2); c.502G>A, p.Val168Met (NM_001353961.2); c.2911G>A, p.Val971Met (NM_006920.6, NM_001353949.2, NM_001353950.2 and 2 more transcripts); c.2908G>A, p.Val970Met (NM_001353954.2, NM_001353955.2); c.2857G>A, p.Val953Met (NM_001353960.2); short protein forms V168M, V970M, V982M, V953M, V954M, V971M.
Identifiers: ClinVar variation 2821631 (VCV002821631.3), dbSNP rs2468093782, ClinGen allele CA349060732.

ClinVar aggregate classification (germline): Uncertain significance (1 of 4 stars; one submission).

Conditions:
Early-infantile DEE. Also called: Early infantile epileptic encephalopathy; Early infantile epileptic encephalopathy with suppression bursts; Ohtahara syndrome. Identifiers: Orphanet 1934, MedGen C0393706, MONDO:0800491.

Submission:

Labcorp Genetics (formerly Invitae), Labcorp
Classification: Uncertain significance for Early-infantile DEE. Last evaluated: 2024-04-15. Review status: criteria provided, single submitter. Criteria: Invitae Variant Classification Sherloc (09022015). Collection method: clinical testing. Allele origin: germline.
Comment: This sequence change replaces valine, which is neutral and non-polar, with methionine, which is neutral and non-polar, at codon 982 of the SCN1A protein (p.Val982Met). This variant is not present in population databases (gnomAD no frequency). This variant has not been reported in the literature in individuals affected with SCN1A-related conditions. An algorithm developed to predict the effect of missense changes on protein structure and function (PolyPhen-2) suggests that this variant is likely to be disruptive. This variant disrupts the p.Val982 amino acid residue in SCN1A. Other variant(s) that disrupt this residue have been determined to be pathogenic (PMID: 19763161, 35074891). This suggests that this residue is clinically significant, and that variants that disrupt this residue are likely to be disease-causing. In summary, the available evidence is currently insufficient to determine the role of this variant in disease. Therefore, it has been classified as a Variant of Uncertain Significance.

Literature cited by the submitters: PubMed 19763161; PubMed 35074891.